The following is an entry in ClinVar:

NM_001005337.3(PKP1):c.*864G>T

Gene: PKP1 (plakophilin 1; plus strand). Cytogenetic location: 1q32.1.
Variant type: single nucleotide variant.
Coding change: c.*864G>T on transcript NM_001005337.3 (MANE Select); 864 bases downstream of the stop codon, G replaced by T.
Molecular consequence: 3 prime UTR variant.
Genome position (GRCh38, 1-based): chr1:201,330,905, G>T. VCF-style: chr1-201330905-G-T. GRCh37 (hg19) VCF-style: chr1-201300033-G-T.
Other names: c.*864G>T (NM_000299.4).
Identifiers: ClinVar variation 294856 (VCV000294856.6), dbSNP rs61819986, ClinGen allele CA10609459.

ClinVar aggregate classification (germline): Benign. Review status: criteria provided, multiple submitters, no conflicts (2 of 4 stars). 2 submissions from 2 submitters: Benign (2). Last evaluated 2018-01-12.

Conditions:
Epidermolysis bullosa simplex due to plakophilin deficiency. Also called: MCGRATH SYNDROME. Identifiers: Orphanet 158668, MedGen C1858302, MONDO:0011472, OMIM 604536.

Allele frequency attached by ClinVar (database versions not stated): 1000 Genomes Project 30x 0.04154; 1000 Genomes Project 0.04273; gnomAD 0.04418 and 0.04488; TOPMed 0.04531.

Submissions (2):

Illumina Laboratory Services, Illumina
Classification: Benign for Epidermolysis bullosa simplex due to plakophilin deficiency. Last evaluated: 2018-01-12. Review status: criteria provided, single submitter. Criteria: ICSL Variant Classification Criteria 13 December 2019. Collection method: clinical testing. Allele origin: germline.
Comment: This variant was observed in the ICSL laboratory as part of a predisposition screen in an ostensibly healthy population. It had not been previously curated by ICSL or reported in the Human Gene Mutation Database (HGMD: prior to June 1st, 2018), and was therefore a candidate for classification through an automated scoring system. Utilizing variant allele frequency, disease prevalence and penetrance estimates, and inheritance mode, an automated score was calculated to assess if this variant is too frequent to cause the disease. Based on the score and internal cut-off values, a variant classified as benign is not then subjected to further curation. The score for this variant resulted in a classification of benign for this disease.

Breakthrough Genomics
Classification: Benign. Review status: criteria provided, single submitter. Criteria: ACMG Guidelines, 2015. Collection method: not provided. Allele origin: germline. Inheritance: Autosomal recessive inheritance. Affected: yes.